The following is an entry in ClinVar:

NM_001375524.1(TRRAP):c.1036+1G>A

Gene: TRRAP (transformation/transcription domain associated protein; plus strand). Cytogenetic location: 7q22.1.
Variant type: single nucleotide variant.
Coding change: c.1036+1G>A on transcript NM_001375524.1 (MANE Select); the canonical splice donor site of the intron after coding-DNA position 1036, G replaced by A.
Molecular consequence: splice donor variant.
Genome position (GRCh38, 1-based): chr7:98,903,518, G>A. VCF-style: chr7-98903518-G-A. GRCh37 (hg19) VCF-style: chr7-98501141-G-A.
Other names: c.1036+1G>A (NM_001244580.2, NM_003496.4).
Identifiers: ClinVar variation 2632476 (VCV002632476.1), dbSNP rs2484690901, ClinGen allele CA368282334.

ClinVar aggregate classification (germline): Uncertain significance (1 of 4 stars; one submission).

Conditions:
TRRAP-related disorder. Also called: TRRAP-related condition.

Submission:

PreventionGenetics, part of Exact Sciences
Classification: Uncertain significance for TRRAP-related condition. Last evaluated: 2023-07-28. Review status: criteria provided, single submitter. Criteria: ACMG Guidelines, 2015. Collection method: clinical testing. Allele origin: germline.
Comment: The TRRAP c.1036+1G>A variant is predicted to disrupt the GT donor site and interfere with normal splicing. To our knowledge, this variant has not been reported in the literature or in a large population database, indicating this variant is rare. At this time, the clinical significance of this variant is uncertain due to the absence of conclusive functional and genetic evidence.